The following is an entry in ClinVar:

NM_001377.3(DYNC2H1):c.503-18C>G

Gene: DYNC2H1 (dynein cytoplasmic 2 heavy chain 1; plus strand). Cytogenetic location: 11q22.3.
Variant type: single nucleotide variant.
Coding change: c.503-18C>G on transcript NM_001377.3 (MANE Select); 18 bases into the intron before coding-DNA position 503, C replaced by G.
Molecular consequence: intron variant.
Genome position (GRCh38, 1-based): chr11:103,115,159, C>G. VCF-style: chr11-103115159-C-G. GRCh37 (hg19) VCF-style: chr11-102985888-C-G.
Other names: c.503-18C>G (NM_001080463.2).
Identifiers: ClinVar variation 511587 (VCV000511587.5), dbSNP rs199660214, ClinGen allele CA6252515.
Genomic context (GRCh38, chr11:103,115,159, plus strand): 5'-TTGCTGCTCTGCTGTTTTGTATTCATTTTTTTTTCTCTGATATTCTATGCCATTTTTTTC[C>G]CCTCTTGACTTTTATAGGTATCCTTACACCAAGCGATGAGTTCCAGTTTTGGATAGAACA-3'

ClinVar aggregate classification (germline): Likely benign. Review status: criteria provided, multiple submitters, no conflicts (2 of 4 stars). 3 submissions from 3 submitters: Likely benign (3). Last evaluated 2025-12-17.

Conditions:
Jeune thoracic dystrophy. Also called: Short-rib thoracic dysplasia; Jeune syndrome; Infantile thoracic dystrophy; Thoracic pelvic phalangeal dystrophy; Jeune's syndrome; Chondroectodermal dysplasia-like syndrome. Identifiers: Orphanet 474, MedGen C0265275, MONDO:0018770.

Allele frequency attached by ClinVar (database versions not stated): ExAC 0.00002; gnomAD exomes 0.00002; TOPMed 0.00004; 1000 Genomes Project 30x 0.00016; 1000 Genomes Project 0.00020.
gnomAD v4.1: 18 of 1,565,450 alleles (0.0011%); highest among the groups gnomAD compares: African/African-American, 0.02%; no homozygotes.

Submissions (3):

Labcorp Genetics (formerly Invitae), Labcorp
Classification: Likely benign for Jeune thoracic dystrophy. Last evaluated: 2025-12-17. Review status: criteria provided, single submitter. Criteria: Invitae Variant Classification Sherloc (09022015). Collection method: clinical testing. Allele origin: germline.

Blueprint Genetics
Classification: Likely benign. Last evaluated: 2022-06-06. Review status: criteria provided, single submitter. Criteria: ACMG Guidelines, 2015. Collection method: clinical testing. Allele origin: germline.

GeneDx
Classification: Likely benign. Last evaluated: 2017-08-18. Review status: criteria provided, single submitter. Criteria: GeneDx Variant Classification (06012015). Collection method: clinical testing. Allele origin: germline. Affected: yes.
Comment: This variant is considered likely benign or benign based on one or more of the following criteria: it is a conservative change, it occurs at a poorly conserved position in the protein, it is predicted to be benign by multiple in silico algorithms, and/or has population frequency not consistent with disease.